The following is an entry in ClinVar:

ClinVar aggregate classification (germline): Conflicting classifications of pathogenicity. Review status: criteria provided, conflicting classifications (1 of 4 stars). 2 submissions from 2 submitters: Likely pathogenic (1); Uncertain significance (1). Last evaluated 2025-11-24.

Conditions:
Congenital multicore myopathy with external ophthalmoplegia (CMYO1B). Also called: Minicore myopathy with external ophthalmoplegia; Congenital myopathy 1B, autosomal recessive; Minicore myopathy; MULTIMINICORE DISEASE WITH EXTERNAL OPHTHALMOPLEGIA; MULTICORE MYOPATHY. Identifiers: Orphanet 598, Orphanet 98905, MedGen C1850674, MONDO:0009712, OMIM 255320, HP:0003789.
Central core myopathy (CMYO1A). Also called: CONGENITAL MYOPATHY 1A, AUTOSOMAL DOMINANT, WITH SUSCEPTIBILITY TO MALIGNANT HYPERTHERMIA; Central core disease; Myopathy, central fibrillar. Identifiers: Orphanet 597, MedGen C5830701, MONDO:0007294, OMIM 117000.

Allele frequency attached by ClinVar (database versions not stated): gnomAD exomes 0.00001; gnomAD 0.00001; TOPMed 0.00001; ExAC 0.00002.
gnomAD v4.1: 18 of 1,613,930 alleles (0.0011%); highest among the groups gnomAD compares: Non-Finnish European, 0.00059%; no homozygotes.

Submissions (2):

Dasa
Classification: Uncertain significance. Last evaluated: 2025-11-24. Review status: criteria provided, single submitter. Criteria: DASA Assertion Criteria. Collection method: clinical testing. Allele origin: germline.
Comment: NM_000540.3(RYR1):c.14701G>A (p.Glu4901Lys) is a missense variant that results in the substitution of glutamic acid with lysine. The affected residue or protein region has prior evidence supporting clinical relevance. This variant is rare in population databases. Computational prediction algorithms are consistent with a deleterious effect. The currently available literature and clinical evidence are not sufficient to establish a definitive association between this variant and the reported condition. Therefore, this variant is classified as a variant of uncertain significance.

Institute for Genomic Medicine (IGM) Clinical Laboratory, Nationwide Children's Hospital
Classification: Likely pathogenic for Congenital multicore myopathy with external ophthalmoplegia; Central core myopathy. Last evaluated: 2018-04-16. Review status: criteria provided, single submitter. Criteria: ACMG Guidelines, 2015. Collection method: clinical testing. Allele origin: germline. Affected: yes.
Comment: [ACMG/AMP: PM1, PM3, PP2, PP3] This alteration is located in a mutational hotspot and/or critical and well-established functional domain [PM1], is detected in trans with a known pathogenic variant [PM3], is a missense variant in a gene in which missense variants are a common mechanism of disease [PP2], is predicted to be damaging by multiple functional prediction tools [PP3].

NM_000540.3(RYR1):c.14701G>A (p.Glu4901Lys)

Gene: RYR1 (ryanodine receptor 1; plus strand). Cytogenetic location: 19q13.2.
Variant type: single nucleotide variant.
Coding change: c.14701G>A on transcript NM_000540.3 (MANE Select); coding-DNA position 14701, G replaced by A.
Protein change: p.Glu4901Lys; replaces glutamic acid 4901 with lysine.
Molecular consequence: missense variant.
Genome position (GRCh38, 1-based): chr19:38,584,997, G>A. VCF-style: chr19-38584997-G-A. GRCh37 (hg19) VCF-style: chr19-39075637-G-A.
Other names: c.14686G>A, p.Glu4896Lys (NM_001042723.2); short protein forms E4896K, E4901K.
Identifiers: ClinVar variation 973242 (VCV000973242.7), dbSNP rs764602570, ClinGen allele CA061530.
Genomic context (GRCh38, chr19:38,584,997, plus strand): 5'-CCTCAGTGTTACCTGTTTCACATGTACGTGGGTGTCCGGGCTGGCGGAGGCATTGGGGAC[G>A]AGATCGAGGACCCCGCGGGTGACGAATACGAGCTCTACAGGGTGGTCTTCGACATCACCT-3'
Protein context (NP_000531.2, residues 4891-4911): GVRAGGGIGD[Glu4901Lys]IEDPAGDEYE